The following is an entry in ClinVar:

ClinVar aggregate classification (germline): Likely benign. Review status: criteria provided, multiple submitters, no conflicts (2 of 4 stars). 4 submissions from 4 submitters: Likely benign (3). 1 of the submissions does not count toward it. Last evaluated 2025-05-01.

Conditions:
NBEA-related disorder. Also called: NBEA-related condition.

Allele frequency attached by ClinVar (database versions not stated): ESP Exome Variant Server 0.00033; gnomAD exomes 0.00045 and 0.00078; ExAC 0.00046; gnomAD 0.00046; 1000 Genomes Project 30x 0.00047; TOPMed 0.00048; 1000 Genomes Project 0.00060.
gnomAD v4.1: 1,198 of 1,613,292 alleles (0.074%); highest among the groups gnomAD compares: Non-Finnish European, 0.094%; no homozygotes.

Submissions (4):

CeGaT Center for Human Genetics Tuebingen
Classification: Likely benign. Last evaluated: 2025-05-01. Review status: criteria provided, single submitter. Criteria: CeGaT Center For Human Genetics Tuebingen Variant Classification Criteria Version 2. Collection method: clinical testing. Allele origin: germline. Affected: yes. Observed: 5 variant alleles.
Comment: NBEA: BP4, BP7

Blueprint Genetics
Classification: Likely benign. Last evaluated: 2024-11-25. Review status: criteria provided, single submitter. Criteria: ACMG Guidelines, 2015. Collection method: clinical testing. Allele origin: germline.

Labcorp Genetics (formerly Invitae), Labcorp
Classification: Likely benign. Last evaluated: 2018-07-04. Review status: criteria provided, single submitter. Criteria: Invitae Variant Classification Sherloc (09022015). Collection method: clinical testing. Allele origin: germline.

PreventionGenetics, part of Exact Sciences
Classification: Likely benign for NBEA-related condition. Last evaluated: 2022-06-02. Review status: no assertion criteria provided. Collection method: clinical testing. Allele origin: germline. Not counted in ClinVar's aggregate classification.
Comment: This variant is classified as likely benign based on ACMG/AMP sequence variant interpretation guidelines (Richards et al. 2015 PMID: 25741868, with internal and published modifications).

NM_001385012.1(NBEA):c.3234G>A (p.Pro1078=)

Gene: NBEA (neurobeachin; plus strand). Cytogenetic location: 13q13.3.
Variant type: single nucleotide variant.
Coding change: c.3234G>A on transcript NM_001385012.1 (MANE Select); coding-DNA position 3234, G replaced by A.
Protein change: p.Pro1078=; no amino-acid change (proline 1078 retained).
Molecular consequence: synonymous variant.
Genome position (GRCh38, 1-based): chr13:35,159,405, G>A. VCF-style: chr13-35159405-G-A. GRCh37 (hg19) VCF-style: chr13-35733542-G-A.
Other names: c.3234G>A, p.Pro1078= (NM_001379245.1, NM_015678.5).
Identifiers: ClinVar variation 713635 (VCV000713635.29), dbSNP rs182518188, ClinGen allele CA6946603.